The following is an entry in ClinVar:

NM_001114753.3(ENG):c.767_786del (p.Pro256fs)

Gene: ENG (endoglin; minus strand). Cytogenetic location: 9q34.11.
Variant type: Deletion.
Coding change: c.767_786del on transcript NM_001114753.3 (MANE Select); coding-DNA positions 767 to 786, 20 bases deleted (CCCCCTACGTGTCCTGGCTC).
Protein change: p.Pro256fs; shifts the reading frame from proline 256.
Molecular consequence: frameshift variant.
Genome position (GRCh38, 1-based): chr9:127,825,261-127,825,280, GAGCCAGGACACGTAGGGGG deleted on the plus strand (CCCCCTACGTGTCCTGGCTC on the coding strand, the reverse complement: ENG is on the minus strand); deleting any 20 consecutive bases within chr9:127,825,261-127,825,282 gives the same sequence; the c. name uses the placement nearest the transcript's 3' end. VCF-style (leftmost placement, unchanged base first): chr9-127825260-TGAGCCAGGACACGTAGGGGG-T. GRCh37 (hg19) VCF-style: chr9-130587539-TGAGCCAGGACACGTAGGGGG-T.
Other names: c.765_784del20, p.Pro256Hisfs (NM_000118.4, NM_001406715.1); c.221_240del, p.Pro74fs (NM_001278138.2); short protein forms P256fs, P74fs.
Identifiers: ClinVar variation 1068703 (VCV001068703.13), dbSNP rs2131887701, ClinGen allele CA2499219641.
Genomic context (GRCh38, chr9:127,825,260, plus strand): 5'-TTTTGTGTCCCGGGAGCTGCGCACAACTCACCCAGATCTGCATGTTGTGGTTGGCGTCGA[TGAGCCAGGACACGTAGGGGG>T]GACCCTGCAGGATGAGGACGGCATCGAGATCCCCGGGTGCGCAGCTCAGTTCCACCTTCA-3'

ClinVar aggregate classification (germline): Pathogenic. Review status: criteria provided, multiple submitters, no conflicts (2 of 4 stars). 2 submissions from 2 submitters: Pathogenic (2). Last evaluated 2023-05-15.

Conditions:
Cardiovascular phenotype. Identifiers: MedGen CN230736.
Hereditary hemorrhagic telangiectasia (HHT). Also called: Osler hemorrhagic telangiectasia syndrome; ORW DISEASE; Osler Weber Rendu syndrome; OSLER-RENDU-WEBER DISEASE. Identifiers: Orphanet 774, MedGen C0039445, MONDO:0019180. Disease mechanism: loss of function.

Submissions (2):

Labcorp Genetics (formerly Invitae), Labcorp
Classification: Pathogenic for Hereditary hemorrhagic telangiectasia. Last evaluated: 2023-05-15. Review status: criteria provided, single submitter. Criteria: Invitae Variant Classification Sherloc (09022015). Collection method: clinical testing. Allele origin: germline.
Comment: This premature translational stop signal has been observed in individual(s) with clinical features of hereditary hemorrhagic telangiectasia (Invitae). ClinVar contains an entry for this variant (Variation ID: 1068703). For these reasons, this variant has been classified as Pathogenic. This variant is not present in population databases (gnomAD no frequency). This sequence change creates a premature translational stop signal (p.Pro256Hisfs*71) in the ENG gene. It is expected to result in an absent or disrupted protein product. Loss-of-function variants in ENG are known to be pathogenic (PMID: 15879500).

Ambry Genetics
Classification: Pathogenic for Cardiovascular phenotype. Last evaluated: 2014-05-23. Review status: criteria provided, single submitter. Criteria: Ambry Variant Classification Scheme 2023. Collection method: clinical testing. Allele origin: germline.
Comment: The c.767_786del20 pathogenic mutation, located in coding exon 6 of the ENG gene, results from a deletion of 20 nucleotides between nucleotide positions 767 and 786, causing a translational frameshift with a predicted alternate stop codon (p.P256Hfs*71). Since frameshifts are typically deleterious in nature, this alteration is interpreted as a disease-causing mutation (ACMG Recommendations for Standards for Interpretation and Reporting of Sequence Variations. Revision 2007. Genet Med. 2008;10:294).

Literature cited by the submitters: PubMed 15879500 (cited by Labcorp Genetics (formerly Invitae), Labcorp).